The following is an entry in ClinVar:

NM_001195263.2(PDZD7):c.890A>T (p.Tyr297Phe)

Gene: PDZD7 (PDZ domain containing 7; minus strand). Cytogenetic location: 10q24.31.
Variant type: single nucleotide variant.
Coding change: c.890A>T on transcript NM_001195263.2 (MANE Select); coding-DNA position 890, A replaced by T.
Protein change: p.Tyr297Phe; replaces tyrosine 297 with phenylalanine.
Molecular consequence: missense variant.
Genome position (GRCh38, 1-based): chr10:101,020,656, T>A on the plus strand (A>T on the coding strand, the complement: PDZD7 is on the minus strand). VCF-style: chr10-101020656-T-A. GRCh37 (hg19) VCF-style: chr10-102780413-T-A.
Other names: c.890A>T, p.Tyr297Phe (NM_001351044.2, NM_024895.5); short protein forms Y297F.
Identifiers: ClinVar variation 1026502 (VCV001026502.8), dbSNP rs1165016266, ClinGen allele CA378229356.

ClinVar aggregate classification (germline): Uncertain significance (1 of 4 stars; one submission).

Allele frequency attached by ClinVar (database versions not stated): gnomAD exomes below 0.00001; TOPMed below 0.00001.
gnomAD v4.1: 1 of 1,613,626 alleles (0.000062%); highest among the groups gnomAD compares: Non-Finnish European, 0.000085%; no homozygotes.

Submission:

Labcorp Genetics (formerly Invitae), Labcorp
Classification: Uncertain significance. Last evaluated: 2022-06-20. Review status: criteria provided, single submitter. Criteria: Invitae Variant Classification Sherloc (09022015). Collection method: clinical testing. Allele origin: germline.
Comment: ClinVar contains an entry for this variant (Variation ID: 1026502). This variant has not been reported in the literature in individuals affected with PDZD7-related conditions. This variant is not present in population databases (gnomAD no frequency). This sequence change replaces tyrosine, which is neutral and polar, with phenylalanine, which is neutral and non-polar, at codon 297 of the PDZD7 protein (p.Tyr297Phe). Algorithms developed to predict the effect of missense changes on protein structure and function are either unavailable or do not agree on the potential impact of this missense change (SIFT: "Deleterious"; PolyPhen-2: "Not Available"; Align-GVGD: "Class C15"). In summary, the available evidence is currently insufficient to determine the role of this variant in disease. Therefore, it has been classified as a Variant of Uncertain Significance.